The following is an entry in ClinVar:

ClinVar aggregate classification (germline): Uncertain significance (1 of 4 stars; one submission).

Conditions:
Hereditary cancer-predisposing syndrome. Also called: Neoplastic Syndromes, Hereditary; Tumor predisposition; Hereditary Cancer Syndrome; Hereditary neoplastic syndrome. Identifiers: Orphanet 140162, MedGen C0027672, MeSH D009386, MONDO:0015356.

Submission:

Ambry Genetics
Classification: Uncertain significance for Hereditary cancer-predisposing syndrome. Last evaluated: 2026-02-22. Review status: criteria provided, single submitter. Criteria: Ambry Variant Classification Scheme 2023. Collection method: clinical testing. Allele origin: germline.
Comment: The p.T740S variant (also known as c.2218A>T), located in coding exon 17 of the POLD1 gene, results from an A to T substitution at nucleotide position 2218. The threonine at codon 740 is replaced by serine, an amino acid with similar properties. This amino acid position is conserved. In addition, this alteration is predicted to be tolerated by in silico analysis. Based on the available evidence, the clinical significance of this variant remains unclear.

NM_002691.4(POLD1):c.2218A>T (p.Thr740Ser)

Gene: POLD1 (DNA polymerase delta 1, catalytic subunit; plus strand). Cytogenetic location: 19q13.33.
Variant type: single nucleotide variant.
Coding change: c.2218A>T on transcript NM_002691.4 (MANE Select); coding-DNA position 2218, A replaced by T.
Protein change: p.Thr740Ser; replaces threonine 740 with serine.
Molecular consequence: missense variant. On other transcripts: non-coding transcript variant (1).
Genome position (GRCh38, 1-based): chr19:50,413,489, A>T. VCF-style: chr19-50413489-A-T. GRCh37 (hg19) VCF-style: chr19-50916746-A-T.
Other names: c.2218A>T, p.Thr740Ser (NM_001256849.1, NM_001438212.1, NM_001438213.1); c.2296A>T, p.Thr766Ser (NM_001308632.1); c.2146A>T, p.Thr716Ser (NM_001438210.1, NM_001438211.1); short protein forms T716S, T740S, T766S.
Identifiers: ClinVar variation 4842658 (VCV004842658.1).
Genomic context (GRCh38, chr19:50,413,489, plus strand): 5'-GTCACGGGGTTCGGACGTCAGATGATCGAGAAAACCAAGCAGCTGGTGGAGTCTAAGTAC[A>T]CAGTGGAGAATGGCTACAGCACCAGTGCCAAGGTCGGGGGCTGCCCACCGCTGCCCTGAG-3'
Protein context (NP_002682.2, residues 730-750): KTKQLVESKY[Thr740Ser]VENGYSTSAK